The following is an entry in ClinVar:

ClinVar aggregate classification (germline): Uncertain significance (1 of 4 stars; one submission).

Conditions:
Dyskeratosis congenita, autosomal dominant 1 (DKCA1). Also called: Dyskeratosis congenita Scoggins type. Identifiers: Orphanet 1775, MedGen C4551974, MONDO:0007485, OMIM 127550. Inheritance: Variable.

Submission:

Labcorp Genetics (formerly Invitae), Labcorp
Classification: Uncertain significance for Dyskeratosis congenita, autosomal dominant 1. Last evaluated: 2021-09-09. Review status: criteria provided, single submitter. Criteria: Invitae Variant Classification Sherloc (09022015). Collection method: clinical testing. Allele origin: germline.
Comment: This variant is located within the BoxH/ACA scaRNA domain of the TERC RNA component, which is required for telomerase activity (PMID: 21844345). In summary, the available evidence is currently insufficient to determine the role of this variant in disease. Therefore, it has been classified as a Variant of Uncertain Significance. This variant has not been reported in the literature in individuals affected with TERC-related conditions. This variant is not present in population databases (ExAC no frequency). This variant occurs in the TERC gene, which encodes an RNA molecule that does not result in a protein product.

Literature cited by the submitters: PubMed 21844345.

NC_000003.12:g.169764721T>C

Genes: TERC (telomerase RNA component; minus strand), LOC110806306 (telomerase RNA component (TERC) promoter; plus strand). Cytogenetic location: 3q26.2.
Variant type: single nucleotide variant.
Genome position: GRCh38 VCF-style: chr3-169764721-T-C. GRCh37 (hg19) VCF-style: chr3-169482509-T-C.
Identifiers: ClinVar variation 1445706 (VCV001445706.6), dbSNP rs746192063, ClinGen allele CA436715001.